The following is an entry in ClinVar:

NM_000138.5(FBN1):c.6643C>T (p.Leu2215=)

Gene: FBN1 (fibrillin 1; minus strand). Cytogenetic location: 15q21.1.
Variant type: single nucleotide variant.
Coding change: c.6643C>T on transcript NM_000138.5 (MANE Select); coding-DNA position 6643, C replaced by T.
Protein change: p.Leu2215=; no amino-acid change (leucine 2215 retained).
Molecular consequence: synonymous variant.
Genome position (GRCh38, 1-based): chr15:48,432,962, G>A on the plus strand (C>T on the coding strand, the complement: FBN1 is on the minus strand). VCF-style: chr15-48432962-G-A. GRCh37 (hg19) VCF-style: chr15-48725159-G-A.
Other names: c.6643C>T (NM_000138.4).
Identifiers: ClinVar variation 1545139 (VCV001545139.11), dbSNP rs921997271, ClinGen allele CA490018620.
Genomic context (GRCh38, chr15:48,432,962, plus strand): 5'-CCACGGGACATTTGCATTCATATGACCCATAAGTGTTCACACATCGGAAGGCACAGAGCA[G>A]AGGATTCTGGGCACATTCATTTATATCTGCAGCAGAGGAGAGTAAGTAAATAAGGGATCA-3'
Protein context (NP_000129.3, residues 2205-2225): EDINECAQNP[Leu2215=]LCAFRCVNTY

ClinVar aggregate classification (germline): Likely benign. Review status: criteria provided, multiple submitters, no conflicts (2 of 4 stars). 4 submissions from 4 submitters: Likely benign (4). Last evaluated 2025-12-08.

Conditions:
Familial thoracic aortic aneurysm and aortic dissection (TAAD). Also called: Thoracic aortic aneurysms and dissections. Identifiers: Orphanet 91387, MedGen C4707243, MONDO:0019625.
Marfan syndrome (MFS). Also called: Marfan syndrome, classic; MARFAN SYNDROME, TYPE I; Marfan syndrome type 1; Marfan's syndrome; FBN1-Related Marfan Syndrome. Identifiers: Orphanet 284963, Orphanet 558, MedGen C0024796, MONDO:0007947, OMIM 154700.

gnomAD v4.1: 2 of 1,613,632 alleles (0.00012%); no homozygotes.

Submissions (4):

Labcorp Genetics (formerly Invitae), Labcorp
Classification: Likely benign for Marfan syndrome; Familial thoracic aortic aneurysm and aortic dissection. Last evaluated: 2025-12-08. Review status: criteria provided, single submitter. Criteria: Invitae Variant Classification Sherloc (09022015). Collection method: clinical testing. Allele origin: germline.

Ambry Genetics
Classification: Likely benign for Familial thoracic aortic aneurysm and aortic dissection. Last evaluated: 2024-09-15. Review status: criteria provided, single submitter. Criteria: Ambry Variant Classification Scheme 2023. Collection method: clinical testing. Allele origin: germline.

All of Us Research Program, National Institutes of Health
Classification: Likely benign for Marfan syndrome. Last evaluated: 2024-02-05. Review status: criteria provided, single submitter. Criteria: ACMG Guidelines, 2015. Collection method: clinical testing. Allele origin: germline. Inheritance: Autosomal dominant inheritance. Observed: 1 variant allele, 1 heterozygote.
Comment: This study involves interpretation of variants in research participants for the purpose of population health screening. Participant phenotype was not available at the time of variant classification. Additional details can be found in publication PMID: 35346344, PMCID: PMC8962531

Color Diagnostics, LLC DBA Color Health
Classification: Likely benign for Familial thoracic aortic aneurysm and aortic dissection. Last evaluated: 2024-01-30. Review status: criteria provided, single submitter. Criteria: ACMG Guidelines, 2015. Collection method: clinical testing. Allele origin: germline.